The following is an entry in ClinVar:

NC_000014.8:g.(?_88391503)_88423172del

Gene: GALC (galactosylceramidase; minus strand).
Variant type: Deletion.
Identifiers: ClinVar variation 1073951 (VCV001073951.2).

ClinVar aggregate classification (germline): Pathogenic (1 of 4 stars; one submission).

Conditions:
Galactosylceramide beta-galactosidase deficiency. Also called: GALACTOCEREBROSIDASE DEFICIENCY; GALC DEFICIENCY; GLOBOID CELL LEUKOENCEPHALOPATHY; Krabbe Disease; Leukodystrophy, Globoid Cell. Identifiers: Orphanet 487, MedGen C0023521, MONDO:0009499, OMIM 245200.

Submission:

Labcorp Genetics (formerly Invitae), Labcorp
Classification: Pathogenic for Galactosylceramide beta-galactosidase deficiency. Last evaluated: 2019-07-26. Review status: criteria provided, single submitter. Criteria: Invitae Variant Classification Sherloc (09022015). Collection method: clinical testing. Allele origin: germline.
Comment: This variant is a gross deletion of the genomic region encompassing exons 11-17 of the GALC gene. While it is not anticipated to result in nonsense mediated decay, it is expected to create a truncated protein product or disrupt mRNA translation. Loss-of-function variants in GALC are known to be pathogenic. This particular variant is consistent with the well known 30kb deletion, which is the most common cause of Krabbe disease in the European population, found in more than 30% of affected individuals investigated and at a frequency of 0.2% in a sample of 2,330 control European individuals (PMID: 7581365, 22073273, 26795590). This variant has been associated with an increased risk for primary open-angle glaucoma, but the clinical relevance of this finding is unclear (PMID: 22073273). For these reasons, this variant has been classified as Pathogenic.

Literature cited by the submitters: PubMed 7581365; PubMed 22073273; PubMed 26795590.